The following is an entry in ClinVar:

ClinVar aggregate classification (germline): Uncertain significance. Review status: criteria provided, multiple submitters, no conflicts (2 of 4 stars). 2 submissions from 2 submitters: Uncertain significance (2). Last evaluated 2023-09-04.

Conditions:
Neuroblastoma, susceptibility to, 3. Also called: ALK-Related Neuroblastic Tumor Susceptibility. Identifiers: Orphanet 635, MedGen C2751681, MONDO:0013083, OMIM 613014.
Hereditary cancer-predisposing syndrome. Also called: Hereditary neoplastic syndrome; Neoplastic Syndromes, Hereditary; Hereditary Cancer Syndrome; Tumor predisposition. Identifiers: Orphanet 140162, MedGen C0027672, MeSH D009386, MONDO:0015356.

Allele frequency attached by ClinVar (database versions not stated): gnomAD exomes below 0.00001.
gnomAD v4.1: 2 of 1,613,992 alleles (0.00012%); highest among the groups gnomAD compares: South Asian, 0.0011%; no homozygotes.

Submissions (2):

Labcorp Genetics (formerly Invitae), Labcorp
Classification: Uncertain significance for Neuroblastoma, susceptibility to, 3. Last evaluated: 2023-09-04. Review status: criteria provided, single submitter. Criteria: Invitae Variant Classification Sherloc (09022015). Collection method: clinical testing. Allele origin: germline.
Comment: This variant has not been reported in the literature in individuals affected with ALK-related conditions. In summary, the available evidence is currently insufficient to determine the role of this variant in disease. Therefore, it has been classified as a Variant of Uncertain Significance. ClinVar contains an entry for this variant (Variation ID: 572189). This variant is not present in population databases (gnomAD no frequency). This sequence change creates a premature translational stop signal (p.Arg1275*) in the ALK gene. It is expected to result in an absent or disrupted protein product. However, the current clinical and genetic evidence is not sufficient to establish whether loss-of-function variants in ALK cause disease.

Ambry Genetics
Classification: Uncertain significance for Hereditary cancer-predisposing syndrome. Last evaluated: 2021-08-02. Review status: criteria provided, single submitter. Criteria: Ambry Variant Classification Scheme 2023. Collection method: clinical testing. Allele origin: germline.
Comment: The p.R1275* variant (also known as c.3823C>T), located in coding exon 25 of the ALK gene, results from a C to T substitution at nucleotide position 3823. This changes the amino acid from an arginine to a stop codon within coding exon 25. This alteration is expected to result in premature protein truncation or nonsense-mediated mRNA decay. However, loss of function of ALK has not been clearly established as a mechanism of disease. Since supporting evidence is limited at this time, the clinical significance of this alteration remains unclear.

Literature cited by the submitters: PubMed 21242967 (cited by Ambry Genetics); PubMed 25517749 (cited by Ambry Genetics); PubMed 26554404 (cited by Ambry Genetics).

NM_004304.5(ALK):c.3823C>T (p.Arg1275Ter)

Gene: ALK (ALK receptor tyrosine kinase; minus strand). Cytogenetic location: 2p23.2.
Variant type: single nucleotide variant.
Coding change: c.3823C>T on transcript NM_004304.5 (MANE Select); coding-DNA position 3823, C replaced by T.
Protein change: p.Arg1275Ter; replaces arginine 1275 with a stop codon.
Molecular consequence: nonsense.
Genome position (GRCh38, 1-based): chr2:29,209,799, G>A on the plus strand (C>T on the coding strand, the complement: ALK is on the minus strand). VCF-style: chr2-29209799-G-A. GRCh37 (hg19) VCF-style: chr2-29432665-G-A.
Other names: c.619C>T, p.Arg207Ter (NM_001353765.2); short protein forms R1275*, R207*.
Identifiers: ClinVar variation 572189 (VCV000572189.11), dbSNP rs543620241, ClinGen allele CA44646393.